The following is an entry in ClinVar:

NM_000048.4(ASL):c.436C>T (p.Arg146Trp)

Gene: ASL (argininosuccinate lyase; plus strand). Cytogenetic location: 7q11.21.
Variant type: single nucleotide variant.
Coding change: c.436C>T on transcript NM_000048.4 (MANE Select); coding-DNA position 436, C replaced by T.
Protein change: p.Arg146Trp; replaces arginine 146 with tryptophan.
Molecular consequence: missense variant.
Genome position (GRCh38, 1-based): chr7:66,083,164, C>T. VCF-style: chr7-66083164-C-T. GRCh37 (hg19) VCF-style: chr7-65548151-C-T.
Other names: c.436C>T, p.Arg146Trp (NM_001024943.2, NM_001024944.2, NM_001024946.2); short protein forms R146W.
Identifiers: ClinVar variation 203626 (VCV000203626.21), dbSNP rs199938613, ClinGen allele CA312345.

ClinVar aggregate classification (germline): Pathogenic/Likely pathogenic. Review status: criteria provided, multiple submitters, no conflicts (2 of 4 stars). 7 submissions from 7 submitters: Pathogenic (5); Likely pathogenic (1). 1 of the submissions does not count toward it. Last evaluated 2025-12-20.

Conditions:
ASL-related disorder. Also called: ASL-related condition.
Argininosuccinate lyase deficiency. Also called: ARGININOSUCCINIC ACID LYASE DEFICIENCY; ASL DEFICIENCY; Argininosuccinic aciduria. Identifiers: Orphanet 23, MedGen C0268547, MONDO:0008815, OMIM 207900, HP:0025630.

Allele frequency attached by ClinVar (database versions not stated): 1000 Genomes Project 30x 0.00016; 1000 Genomes Project 0.00020; TOPMed below 0.00001; gnomAD exomes 0.00002; ExAC 0.00003.
gnomAD v4.1: 26 of 1,612,726 alleles (0.0016%); highest among the groups gnomAD compares: East Asian, 0.0022%; no homozygotes.

Submissions (7):

Clinical Genomics Laboratory, Washington University in St. Louis
Classification: Pathogenic for Argininosuccinate lyase deficiency. Last evaluated: 2025-12-20. Review status: criteria provided, single submitter. Criteria: ACMG Guidelines, 2015. Collection method: clinical testing. Allele origin: germline. Affected: yes.
Comment: The ASL c.436C>T (p.Arg146Trp) variant has been reported in six individuals affected with argininosuccinic aciduria. Of these individuals, three were compound heterozygous for the variant and a pathogenic or likely pathogenic variant confirmed in trans, and three individuals were homozygous for the variant (Ali EZ et al., PMID: 31709144; Balmer C et al., PMID: 24166829; Silvera-Ruiz SM et al., PMID: 31426867; Zielonka M et al., PMID: 31943503). This variant has been reported in the ClinVar database as a germline pathogenic variant by seven submitters. The highest population minor allele frequency in the Genome Aggregation Database (gnomAD v4.1.0) is 0.007% in the European non-Finnish population. Computational predictors indicate that the variant is damaging, providing evidence of an impact on ASL function. Additionally, computational predictors indicate that this variant would also alter splicing, leading to a loss of the donor site with moderate strength; skipping of exon 6 would result in an out-of-frame product. Functional studies using a mammalian expression system show that this variant is associated with markedly reduced argininosuccinate lyase activity, consistent with impaired enzyme function (Zielonka M et al., PMID: 31943503). Another variant affecting the same codon, c.436C>G (p.Arg146Gly), has been reported in affected individuals and has been classified as likely pathogenic (ClinVar Variation ID: 2577248; Baruteau J et al., PMID: 28251416; Zielonka M et al., PMID: 31943503). Based on the available information and the ACMG/AMP guidelines for variant interpretation (Richards S et al., PMID: 25741868), this variant is classified as pathogenic.

Natera, Inc.
Classification: Pathogenic for Argininosuccinate lyase deficiency. Last evaluated: 2025-12-01. Review status: criteria provided, single submitter. Criteria: Natera Variant Classification Schema (03/2026). Collection method: clinical testing. Allele origin: germline.
Comment: The c.436C>T variant in ASL is a missense variant predicted to cause substitution of arginine to tryptophan at amino acid 146. This variant is rare in the general population with a frequency below the threshold expected for the associated phenotype(s). This variant has been observed in one or more individuals affected with the associated recessive disease, as either homozygous or compound heterozygous with a second variant (PMID: 31943503, 24166829). Functional studies show that this variant may disrupt protein function (PMID: 31943503). Computational prediction algorithms indicate this variant is likely to affect gene or protein function. Given the available evidence, this variant is classified as Pathogenic.

Fulgent Genetics
Classification: Pathogenic for Argininosuccinate lyase deficiency. Last evaluated: 2024-05-08. Review status: criteria provided, single submitter. Criteria: ACMG Guidelines, 2015. Collection method: clinical testing. Allele origin: germline.

Labcorp Genetics (formerly Invitae), Labcorp
Classification: Pathogenic for Argininosuccinate lyase deficiency. Last evaluated: 2023-12-26. Review status: criteria provided, single submitter. Criteria: Invitae Variant Classification Sherloc (09022015). Collection method: clinical testing. Allele origin: germline.
Comment: This sequence change replaces arginine, which is basic and polar, with tryptophan, which is neutral and slightly polar, at codon 146 of the ASL protein (p.Arg146Trp). This variant is present in population databases (rs199938613, gnomAD 0.006%). This missense change has been observed in individuals with argininosuccinate lyase deficiency (PMID: 24166829, 31709144). ClinVar contains an entry for this variant (Variation ID: 203626). Advanced modeling of protein sequence and biophysical properties (such as structural, functional, and spatial information, amino acid conservation, physicochemical variation, residue mobility, and thermodynamic stability) performed at Invitae indicates that this missense variant is expected to disrupt ASL protein function with a positive predictive value of 95%. Algorithms developed to predict the effect of sequence changes on RNA splicing suggest that this variant may disrupt the consensus splice site. This variant disrupts the p.Arg146 amino acid residue in ASL. Other variant(s) that disrupt this residue have been determined to be pathogenic (PMID: 28251416; Invitae). This suggests that this residue is clinically significant, and that variants that disrupt this residue are likely to be disease-causing. For these reasons, this variant has been classified as Pathogenic.

Women's Health and Genetics/Laboratory Corporation of America, LabCorp
Classification: Pathogenic for Argininosuccinate lyase deficiency. Last evaluated: 2022-08-10. Review status: criteria provided, single submitter. Criteria: LabCorp Variant Classification Summary - May 2015. Collection method: clinical testing. Allele origin: germline.
Comment: Variant summary: ASL c.436C>T (p.Arg146Trp) results in a non-conservative amino acid change located in the Fumarate lyase, N-terminal domain (IPR022761) of the encoded protein sequence. Five of five in-silico tools predict a damaging effect of the variant on protein function. The variant allele was found at a frequency of 2e-05 in 249972 control chromosomes (gnomAD). c.436C>T has been reported in the literature in individuals affected with Argininosuccinic Aciduria (examples: Balmer_2014, Silver-Ruiz_2019, and Ali_2019). These data indicate that the variant is likely to be associated with disease. At least one publication reports experimental evidence evaluating an impact on protein function. The most pronounced variant effect results in <10% of normal activity (example: Zielonka_2020). Two clinical diagnostic laboratories have submitted clinical-significance assessments for this variant to ClinVar after 2014 and all classified the variant as pathogenic. Based on the evidence outlined above, the variant was classified as pathogenic.

Blueprint Genetics
Classification: Likely pathogenic for ASL-related disorders. Last evaluated: 2021-07-22. Review status: criteria provided, single submitter. Criteria: ACMG Guidelines, 2015. Collection method: clinical testing. Allele origin: germline. Affected: yes. Observed: 5 variant alleles.

PreventionGenetics, part of Exact Sciences
Classification: Pathogenic for ASL-related condition. Last evaluated: 2023-11-27. Review status: no assertion criteria provided. Collection method: clinical testing. Allele origin: germline. Not counted in ClinVar's aggregate classification.
Comment: The ASL c.436C>T variant is predicted to result in the amino acid substitution p.Arg146Trp. This variant has been reported in the homozygous or compound heterozygous state with a second ASL variant in several individuals with argininosuccinate lyase deficiency (Balmer et al. 2014. PubMed ID: 24166829; Ali et al. 2019. PubMed ID: 31709144; Silvera-Ruiz et al. 2019. PubMed ID: 31426867). In in vitro studies, the p.Arg146Trp substitution resulted in greatly decreased protein expression and argininosuccinate lyase enzyme activity (Zielonka et al. 2020. PubMed ID: 31943503). Different substitutions impacting the same amino acid (p.Arg146Gly, p.Arg146Gln) have also been reported in patients with argininosuccinate lyase deficiency (Baruteau et al. 2017. PubMed ID: 28251416). This variant is reported in 0.0054% of alleles in individuals of East Asian descent in gnomAD. Taken together, this variant is interpreted as pathogenic.

Literature cited by the submitters: PubMed 31943503 (cited by Natera, Inc. and Women's Health and Genetics/Laboratory Corporation of America, LabCorp); PubMed 24166829 (cited by 3 submitters); PubMed 31709144 (cited by Labcorp Genetics (formerly Invitae), Labcorp and Women's Health and Genetics/Laboratory Corporation of America, LabCorp); PubMed 28251416 (cited by Labcorp Genetics (formerly Invitae), Labcorp); PubMed 31426867 (cited by Women's Health and Genetics/Laboratory Corporation of America, LabCorp).